The following is an entry in ClinVar:

ClinVar aggregate classification (germline): Likely benign (0 of 4 stars; one submission).

Conditions:
DIP2B-related disorder. Also called: DIP2B-related condition.

Allele frequency attached by ClinVar (database versions not stated): TOPMed below 0.00001; gnomAD 0.00001; gnomAD exomes 0.00003; ExAC 0.00007.
gnomAD v4.1: 46 of 1,613,780 alleles (0.0029%); highest among the groups gnomAD compares: South Asian, 0.049%; no homozygotes.

Submission:

PreventionGenetics, part of Exact Sciences
Classification: Likely benign for DIP2B-related condition. Last evaluated: 2019-04-03. Review status: no assertion criteria provided. Collection method: clinical testing. Allele origin: germline.
Comment: This variant is classified as likely benign based on ACMG/AMP sequence variant interpretation guidelines (Richards et al. 2015 PMID: 25741868, with internal and published modifications).

NM_173602.3(DIP2B):c.4167C>T (p.His1389=)

Gene: DIP2B (disco interacting protein 2 homolog B; plus strand). Cytogenetic location: 12q13.12.
Variant type: single nucleotide variant.
Coding change: c.4167C>T on transcript NM_173602.3 (MANE Select); coding-DNA position 4167, C replaced by T.
Protein change: p.His1389=; no amino-acid change (histidine 1389 retained).
Molecular consequence: synonymous variant.
Genome position (GRCh38, 1-based): chr12:50,737,101, C>T. VCF-style: chr12-50737101-C-T. GRCh37 (hg19) VCF-style: chr12-51130884-C-T.
Identifiers: ClinVar variation 3047259 (VCV003047259.2), dbSNP rs758518613, ClinGen allele CA6565303.